The following is an entry in ClinVar:

NM_015915.5(ATL1):c.254A>G (p.Asp85Gly)

Gene: ATL1 (atlastin GTPase 1; plus strand). Cytogenetic location: 14q22.1.
Variant type: single nucleotide variant.
Coding change: c.254A>G on transcript NM_015915.5 (MANE Select); coding-DNA position 254, A replaced by G.
Protein change: p.Asp85Gly; replaces aspartic acid 85 with glycine.
Molecular consequence: missense variant.
Genome position (GRCh38, 1-based): chr14:50,588,050, A>G. VCF-style: chr14-50588050-A-G. GRCh37 (hg19) VCF-style: chr14-51054768-A-G.
Other names: c.254A>G, p.Asp85Gly (NM_001127713.1, NM_181598.4); short protein forms D85G.
Identifiers: ClinVar variation 1494186 (VCV001494186.6), dbSNP rs2140201974, ClinGen allele CA389666020.

ClinVar aggregate classification (germline): Uncertain significance (1 of 4 stars; one submission).

Conditions:
Hereditary spastic paraplegia 3A (SPG3A). Also called: SPASTIC PARAPLEGIA 3, AUTOSOMAL DOMINANT; FAMILIAL SPASTIC PARAPLEGIA, AUTOSOMAL DOMINANT, 1; SPG3; STRUMPELL DISEASE; Spastic Paraplegia 3A; Spastic paraplegia 3A, autosomal dominant. Identifiers: Orphanet 100984, MedGen C2931355, MONDO:0008437, OMIM 182600.

Submission:

Labcorp Genetics (formerly Invitae), Labcorp
Classification: Uncertain significance for Hereditary spastic paraplegia 3A. Last evaluated: 2021-10-04. Review status: criteria provided, single submitter. Criteria: Invitae Variant Classification Sherloc (09022015). Collection method: clinical testing. Allele origin: germline.
Comment: Advanced modeling of protein sequence and biophysical properties (such as structural, functional, and spatial information, amino acid conservation, physicochemical variation, residue mobility, and thermodynamic stability) performed at Invitae indicates that this missense variant is expected to disrupt ATL1 protein function. This variant has not been reported in the literature in individuals affected with ATL1-related conditions. This variant is not present in population databases (ExAC no frequency). This sequence change replaces aspartic acid with glycine at codon 85 of the ATL1 protein (p.Asp85Gly). The aspartic acid residue is highly conserved and there is a moderate physicochemical difference between aspartic acid and glycine. In summary, the available evidence is currently insufficient to determine the role of this variant in disease. Therefore, it has been classified as a Variant of Uncertain Significance.